The following is an entry in ClinVar:

ClinVar aggregate classification (germline): Conflicting classifications of pathogenicity. Review status: criteria provided, conflicting classifications (1 of 4 stars). 3 submissions from 3 submitters: Uncertain significance (1); Likely benign (1). 1 of the submissions does not count toward it. Last evaluated 2026-01-18.

Conditions:
Glycogen storage disease, type V (GSD5). Also called: MCARDLE DISEASE; MUSCLE GLYCOGEN PHOSPHORYLASE DEFICIENCY; MYOPHOSPHORYLASE DEFICIENCY; PYGM DEFICIENCY; McArdle type glycogen storage disease. Identifiers: Orphanet 368, MedGen C0017924, MONDO:0009293, OMIM 232600.
PYGM-related disorder. Also called: PYGM-related condition.

Allele frequency attached by ClinVar (database versions not stated): gnomAD 0.00001; gnomAD exomes 0.00001; TOPMed 0.00006.
gnomAD v4.1: 9 of 1,614,062 alleles (0.00056%); highest among the groups gnomAD compares: African/African-American, 0.0013%; no homozygotes.

Submissions (3):

Labcorp Genetics (formerly Invitae), Labcorp
Classification: Likely benign for Glycogen storage disease, type V. Last evaluated: 2026-01-18. Review status: criteria provided, single submitter. Criteria: Invitae Variant Classification Sherloc (09022015). Collection method: clinical testing. Allele origin: germline.

Illumina Laboratory Services, Illumina
Classification: Uncertain significance for Glycogen storage disease, type V. Last evaluated: 2018-01-13. Review status: criteria provided, single submitter. Criteria: ICSL Variant Classification Criteria 13 December 2019. Collection method: clinical testing. Allele origin: germline.

PreventionGenetics, part of Exact Sciences
Classification: Likely benign for PYGM-related condition. Last evaluated: 2023-05-08. Review status: no assertion criteria provided. Collection method: clinical testing. Allele origin: germline. Not counted in ClinVar's aggregate classification.
Comment: This variant is classified as likely benign based on ACMG/AMP sequence variant interpretation guidelines (Richards et al. 2015 PMID: 25741868, with internal and published modifications).

NM_005609.4(PYGM):c.2322C>T (p.Val774=)

Gene: PYGM (glycogen phosphorylase, muscle associated; minus strand). Cytogenetic location: 11q13.1.
Variant type: single nucleotide variant.
Coding change: c.2322C>T on transcript NM_005609.4 (MANE Select); coding-DNA position 2322, C replaced by T.
Protein change: p.Val774=; no amino-acid change (valine 774 retained).
Molecular consequence: synonymous variant.
Genome position (GRCh38, 1-based): chr11:64,746,978, G>A on the plus strand (C>T on the coding strand, the complement: PYGM is on the minus strand). VCF-style: chr11-64746978-G-A. GRCh37 (hg19) VCF-style: chr11-64514450-G-A.
Other names: c.2322C>T (NM_005609.3); c.2058C>T, p.Val686= (NM_001164716.1).
Identifiers: ClinVar variation 878937 (VCV000878937.15), dbSNP rs1045215677, ClinGen allele CA223894768.
Genomic context (GRCh38, chr11:64,746,978, plus strand): 5'-CACCTTGTACAAGGCGCTGACTTTCTCCTGGCATTTAATGTAGTCTTCATAATCTGCGAA[G>A]ACTTTAAACCTGGAGGGGAAAGGATAGGCATGTGCTATTCCTTTAGGGGGCTAGGATAAG-3'
Protein context (NP_005600.1, residues 764-784): NMLMHHDRFK[Val774=]FADYEDYIKC